The following is an entry in ClinVar:

ClinVar aggregate classification (germline): Conflicting classifications of pathogenicity. Review status: criteria provided, conflicting classifications (1 of 4 stars). 2 submissions from 2 submitters: Uncertain significance (1); Benign (1). Last evaluated 2024-03-05.

Conditions:
Tuberous sclerosis 2 (TSC2). Identifiers: Orphanet 805, MedGen C1860707, MONDO:0013199, OMIM 613254.
Hereditary cancer-predisposing syndrome. Also called: Neoplastic Syndromes, Hereditary; Tumor predisposition; Hereditary Cancer Syndrome; Hereditary neoplastic syndrome. Identifiers: Orphanet 140162, MedGen C0027672, MeSH D009386, MONDO:0015356.

gnomAD v4.1: 5 of 1,613,310 alleles (0.00031%); highest among the groups gnomAD compares: Non-Finnish European, 0.00042%; no homozygotes.

Submissions (2):

Ambry Genetics
Classification: Uncertain significance for Hereditary cancer-predisposing syndrome. Last evaluated: 2024-03-05. Review status: criteria provided, single submitter. Criteria: Ambry Variant Classification Scheme 2023. Collection method: clinical testing. Allele origin: germline.
Comment: The p.H600R variant (also known as c.1799A>G), located in coding exon 16 of the TSC2 gene, results from an A to G substitution at nucleotide position 1799. The histidine at codon 600 is replaced by arginine, an amino acid with highly similar properties. This amino acid position is conserved. In addition, the in silico prediction for this alteration is inconclusive. Based on the available evidence, the clinical significance of this alteration remains unclear.

Labcorp Genetics (formerly Invitae), Labcorp
Classification: Benign for Tuberous sclerosis 2. Last evaluated: 2023-09-12. Review status: criteria provided, single submitter. Criteria: Invitae Variant Classification Sherloc (09022015). Collection method: clinical testing. Allele origin: germline.

NM_000548.5(TSC2):c.1799A>G (p.His600Arg)

Gene: TSC2 (TSC complex subunit 2; plus strand). Cytogenetic location: 16p13.3.
Variant type: single nucleotide variant.
Coding change: c.1799A>G on transcript NM_000548.5 (MANE Select); coding-DNA position 1799, A replaced by G.
Protein change: p.His600Arg; replaces histidine 600 with arginine.
Molecular consequence: missense variant.
Genome position (GRCh38, 1-based): chr16:2,070,538, A>G. VCF-style: chr16-2070538-A-G. GRCh37 (hg19) VCF-style: chr16-2120539-A-G.
Other names: c.1799A>G, p.His600Arg (NM_001077183.3, NM_001114382.3, NM_001363528.2 and 6 more transcripts); c.1688A>G, p.His563Arg (NM_001318827.2, NM_001406670.1, NM_001406678.1); c.1652A>G, p.His551Arg (NM_001318829.2, NM_001406675.1, NM_001406676.1 and 1 more transcripts); c.1199A>G, p.His400Arg (NM_001318831.2, NM_001406683.1, NM_001406684.1 and 6 more transcripts); c.1832A>G, p.His611Arg (NM_001318832.2); c.1889A>G, p.His630Arg (NM_001406667.1, NM_001406668.1); c.455A>G, p.His152Arg (NM_001406689.1, NM_001406690.1, NM_001406691.1 and 6 more transcripts); c.197A>G, p.His66Arg (NM_001406698.1); and 3 more; short protein forms H66R, H400R, H551R, H600R, H446R, H581R, H596R, H152R.
Identifiers: ClinVar variation 2173343 (VCV002173343.5), dbSNP rs1413259742, ClinGen allele CA394272944.
Genomic context (GRCh38, chr16:2,070,538, plus strand): 5'-CAAGCCACGCCACGCGTGTGTATGAGATGCTGGTCAGCCACATTCAGCTCCACTACAAGC[A>G]CAGCTACACCCTGCCAATCGCGAGCAGCATCCGGCTGCAGGTATGGTGGCTGGGGTTGCG-3'
Protein context (NP_000539.2, residues 590-610): LVSHIQLHYK[His600Arg]SYTLPIASSI